The following is an entry in ClinVar:

ClinVar aggregate classification (germline): Uncertain significance (1 of 4 stars; one submission).

Conditions:
Hereditary pancreatitis (PCTT). Also called: Hereditary chronic pancreatitis; PRSS1-Related Hereditary Pancreatitis. Identifiers: Orphanet 676, MedGen C0238339, MONDO:0008185, OMIM 167800.

Allele frequency attached by ClinVar (database versions not stated): gnomAD 0.00001.
gnomAD v4.1: 6 of 1,614,068 alleles (0.00037%); highest among the groups gnomAD compares: African/African-American, 0.0067%; no homozygotes.

Submission:

Ambry Genetics
Classification: Uncertain significance for Hereditary pancreatitis. Last evaluated: 2025-04-28. Review status: criteria provided, single submitter. Criteria: Ambry Variant Classification Scheme 2023. Collection method: clinical testing. Allele origin: germline.
Comment: The p.K170N variant (also known as c.510G>C), located in coding exon 4 of the PRSS1 gene, results from a G to C substitution at nucleotide position 510. The lysine at codon 170 is replaced by asparagine, an amino acid with similar properties. This amino acid position is conserved. In addition, this alteration is predicted to be tolerated by in silico analysis. Since supporting evidence is limited at this time, the clinical significance of this alteration remains unclear.

NM_002769.5(PRSS1):c.510G>C (p.Lys170Asn)

Genes: TRB (T cell receptor beta locus; plus strand), PRSS1 (serine protease 1; plus strand). Cytogenetic location: 7q34.
Variant type: single nucleotide variant.
Coding change: c.510G>C on transcript NM_002769.5 (MANE Select); coding-DNA position 510, G replaced by C.
Protein change: p.Lys170Asn; replaces lysine 170 with asparagine.
Molecular consequence: missense variant. On other transcripts: non-coding transcript variant (5).
Genome position (GRCh38, 1-based): chr7:142,752,486, G>C. VCF-style: chr7-142752486-G-C. GRCh37 (hg19) VCF-style: chr7-142460337-G-C.
Other names: short protein forms K170N.
Identifiers: ClinVar variation 2496903 (VCV002496903.3), dbSNP rs750427023, ClinGen allele CA4530044.